The following is an entry in ClinVar:

NM_003900.5(SQSTM1):c.1044G>A (p.Pro348=)

Gene: SQSTM1 (sequestosome 1; plus strand). Cytogenetic location: 5q35.3.
Variant type: single nucleotide variant.
Coding change: c.1044G>A on transcript NM_003900.5 (MANE Select); coding-DNA position 1044, G replaced by A.
Protein change: p.Pro348=; no amino-acid change (proline 348 retained).
Molecular consequence: synonymous variant.
Genome position (GRCh38, 1-based): chr5:179,833,661, G>A. VCF-style: chr5-179833661-G-A. GRCh37 (hg19) VCF-style: chr5-179260661-G-A.
Other names: p.Pro348=; c.792G>A, p.Pro264= (NM_001142298.2, NM_001142299.2).
Identifiers: ClinVar variation 259187 (VCV000259187.24), dbSNP rs10058037, ClinGen allele CA3600786.
Genomic context (GRCh38, chr5:179,833,661, plus strand): 5'-GGATAACTGTTCAGGAGGAGATGATGACTGGACCCATCTGTCTTCAAAAGAAGTGGACCC[G>A]TCTACAGGTGAACTCCAGTCCCTACAGATGCCAGAATCCGAAGGGCCAAGCTCTCTGGAC-3'
Protein context (NP_003891.1, residues 338-358): WTHLSSKEVD[Pro348=]STGELQSLQM

ClinVar aggregate classification (germline): Benign. Review status: criteria provided, multiple submitters, no conflicts (2 of 4 stars). 6 submissions from 6 submitters: Benign (6). Last evaluated 2026-02-02.

Conditions:
Frontotemporal dementia and/or amyotrophic lateral sclerosis 1 (FTDALS1). Also called: Frontotemporal dementia with motor neuron disease 1; C9orf72 Frontotemporal Dementia and/or Amyotrophic Lateral Sclerosis. Identifiers: Orphanet 275872, MedGen C5779877, MONDO:0007105, OMIM 105550.
Paget disease of bone 2, early-onset (PDB2). Also called: Paget disease of bone 2. Identifiers: MedGen C4085251, MONDO:0011183, OMIM 602080.
Paget disease of bone 3. Identifiers: MedGen C4085252, MONDO:0008176, OMIM 167250.

Allele frequency attached by ClinVar (database versions not stated): gnomAD exomes 0.00741 and 0.00338; 1000 Genomes Project 0.03295; ExAC 0.00948; gnomAD 0.03071 and 0.03284; 1000 Genomes Project 30x 0.03310; TOPMed 0.03353; ESP Exome Variant Server 0.03206.
gnomAD v4.1: 9,829 of 1,614,078 alleles (0.61%); highest among the groups gnomAD compares: African/African-American, 11%; 472 homozygotes.

Submissions (6):

Labcorp Genetics (formerly Invitae), Labcorp
Classification: Benign for Paget disease of bone 2, early-onset; Frontotemporal dementia and/or amyotrophic lateral sclerosis 1. Last evaluated: 2026-02-02. Review status: criteria provided, single submitter. Criteria: Invitae Variant Classification Sherloc (09022015). Collection method: clinical testing. Allele origin: germline.

Athena Diagnostics
Classification: Benign. Last evaluated: 2025-05-14. Review status: criteria provided, single submitter. Criteria: Athena Diagnostics Criteria. Collection method: clinical testing. Allele origin: unknown.
Comment: The frequency of this variant in the general population is higher than would generally be expected for pathogenic variants in this gene.

GeneDx
Classification: Benign. Last evaluated: 2018-09-16. Review status: criteria provided, single submitter. Criteria: GeneDx Variant Classification Process June 2021. Collection method: clinical testing. Allele origin: germline. Affected: yes.

Mayo Clinic Laboratories, Mayo Clinic
Classification: Benign. Last evaluated: 2018-03-02. Review status: criteria provided, single submitter. Criteria: ACMG Guidelines, 2015. Collection method: clinical testing. Allele origin: germline. Observed: 40 variant alleles.

Illumina Laboratory Services, Illumina
Classification: Benign for Paget disease of bone 3. Last evaluated: 2018-01-13. Review status: criteria provided, single submitter. Criteria: ICSL Variant Classification Criteria 13 December 2019. Collection method: clinical testing. Allele origin: germline.
Comment: This variant was observed in the ICSL laboratory as part of a predisposition screen in an ostensibly healthy population. It had not been previously curated by ICSL or reported in the Human Gene Mutation Database (HGMD: prior to June 1st, 2018), and was therefore a candidate for classification through an automated scoring system. Utilizing variant allele frequency, disease prevalence and penetrance estimates, and inheritance mode, an automated score was calculated to assess if this variant is too frequent to cause the disease. Based on the score and internal cut-off values, a variant classified as benign is not then subjected to further curation. The score for this variant resulted in a classification of benign for this disease.

PreventionGenetics, part of Exact Sciences
Classification: Benign. Review status: criteria provided, single submitter. Criteria: ACMG Guidelines, 2015. Collection method: clinical testing. Allele origin: germline.